The following is an entry in ClinVar:

NM_001365088.1(SLC12A6):c.630G>T (p.Trp210Cys)

Genes: SLC12A6 (solute carrier family 12 member 6; minus strand), LOC129390683 (MPRA-validated peak2292 silencer; plus strand). Cytogenetic location: 15q14.
Variant type: single nucleotide variant.
Coding change: c.630G>T on transcript NM_001365088.1 (MANE Select); coding-DNA position 630, G replaced by T.
Protein change: p.Trp210Cys; replaces tryptophan 210 with cysteine.
Molecular consequence: missense variant.
Genome position (GRCh38, 1-based): chr15:34,257,702, C>A on the plus strand (G>T on the coding strand, the complement: SLC12A6 is on the minus strand). VCF-style: chr15-34257702-C-A. GRCh37 (hg19) VCF-style: chr15-34549903-C-A.
Other names: c.453G>T, p.Trp151Cys (NM_001042494.2, NM_001042495.2); c.603G>T, p.Trp201Cys (NM_001042496.2); c.585G>T, p.Trp195Cys (NM_001042497.2); c.477G>T, p.Trp159Cys (NM_005135.2); c.630G>T, p.Trp210Cys (NM_133647.2); c.630G>T (NM_133647.1); short protein forms W151C, W159C, W201C, W210C, W195C.
Identifiers: ClinVar variation 1424771 (VCV001424771.8), dbSNP rs1057516898, ClinGen allele CA391612685.

ClinVar aggregate classification (germline): Uncertain significance. Review status: criteria provided, multiple submitters, no conflicts (2 of 4 stars). 2 submissions from 2 submitters: Uncertain significance (2). Last evaluated 2025-08-27.

Conditions:
Inborn genetic diseases. Identifiers: MedGen C0950123, MeSH D030342.

Allele frequency attached by ClinVar (database versions not stated): gnomAD 0.00001; gnomAD exomes 0.00001.
gnomAD v4.1: 7 of 1,611,834 alleles (0.00043%); highest among the groups gnomAD compares: Non-Finnish European, 0.00059%; no homozygotes.

Submissions (2):

Ambry Genetics
Classification: Uncertain significance for Inborn genetic diseases. Last evaluated: 2025-08-27. Review status: criteria provided, single submitter. Criteria: Ambry Variant Classification Scheme 2023. Collection method: clinical testing. Allele origin: germline.

Labcorp Genetics (formerly Invitae), Labcorp
Classification: Uncertain significance. Last evaluated: 2023-12-14. Review status: criteria provided, single submitter. Criteria: Invitae Variant Classification Sherloc (09022015). Collection method: clinical testing. Allele origin: germline.
Comment: This sequence change replaces tryptophan, which is neutral and slightly polar, with cysteine, which is neutral and slightly polar, at codon 210 of the SLC12A6 protein (p.Trp210Cys). This variant is not present in population databases (gnomAD no frequency). This variant has not been reported in the literature in individuals affected with SLC12A6-related conditions. ClinVar contains an entry for this variant (Variation ID: 1424771). Advanced modeling of protein sequence and biophysical properties (such as structural, functional, and spatial information, amino acid conservation, physicochemical variation, residue mobility, and thermodynamic stability) performed at Invitae indicates that this missense variant is expected to disrupt SLC12A6 protein function with a positive predictive value of 80%. In summary, the available evidence is currently insufficient to determine the role of this variant in disease. Therefore, it has been classified as a Variant of Uncertain Significance.